The following is an entry in ClinVar:

ClinVar aggregate classification (germline): Uncertain significance (1 of 4 stars; one submission).

Conditions:
Long QT syndrome (LQTS). Identifiers: MedGen C0023976, MeSH D008133, MONDO:0002442. Disease mechanism: loss of function. Inheritance: Various modes of inheritance.

Allele frequency attached by ClinVar (database versions not stated): gnomAD exomes 0.00001.
gnomAD v4.1: 12 of 1,403,062 alleles (0.00086%); highest among the groups gnomAD compares: Non-Finnish European, 0.0011%; no homozygotes.

Submission:

Labcorp Genetics (formerly Invitae), Labcorp
Classification: Uncertain significance for Long QT syndrome. Last evaluated: 2022-08-09. Review status: criteria provided, single submitter. Criteria: Invitae Variant Classification Sherloc (09022015). Collection method: clinical testing. Allele origin: germline.
Comment: This sequence change replaces proline, which is neutral and non-polar, with histidine, which is basic and polar, at codon 245 of the KCNH2 protein (p.Pro245His). This variant is not present in population databases (gnomAD no frequency). This variant has not been reported in the literature in individuals affected with KCNH2-related conditions. Algorithms developed to predict the effect of missense changes on protein structure and function are either unavailable or do not agree on the potential impact of this missense change (SIFT: "Deleterious"; PolyPhen-2: "Probably Damaging"; Align-GVGD: "Class C0"). In summary, the available evidence is currently insufficient to determine the role of this variant in disease. Therefore, it has been classified as a Variant of Uncertain Significance.

NM_000238.4(KCNH2):c.734C>A (p.Pro245His)

Gene: KCNH2 (potassium voltage-gated channel subfamily H member 2; minus strand). Cytogenetic location: 7q36.1.
Variant type: single nucleotide variant.
Coding change: c.734C>A on transcript NM_000238.4 (MANE Select); coding-DNA position 734, C replaced by A.
Protein change: p.Pro245His; replaces proline 245 with histidine.
Molecular consequence: missense variant.
Genome position (GRCh38, 1-based): chr7:150,958,241, G>T on the plus strand (C>A on the coding strand, the complement: KCNH2 is on the minus strand). VCF-style: chr7-150958241-G-T. GRCh37 (hg19) VCF-style: chr7-150655329-G-T.
Other names: c.446C>A, p.Pro149His (NM_001406753.1, NM_001406756.1); c.557C>A, p.Pro186His (NM_001406755.1); c.434C>A, p.Pro145His (NM_001406757.1); c.734C>A, p.Pro245His (NM_172056.3); short protein forms P149H, P245H, P145H, P186H.
Identifiers: ClinVar variation 2178378 (VCV002178378.1), dbSNP rs1212994253, ClinGen allele CA369862683.